The following is an entry in ClinVar:

ClinVar aggregate classification (germline): Conflicting classifications of pathogenicity. Review status: criteria provided, conflicting classifications (1 of 4 stars). 4 submissions from 4 submitters: Uncertain significance (3); Likely benign (1). Last evaluated 2026-03-01.

Conditions:
Retinitis pigmentosa (RP). Identifiers: Orphanet 791, MedGen C0035334, MeSH D012174, MONDO:0019200, OMIM 268000. Inheritance: Autosomal dominant, autosomal recessive and X linked inheritance.
PDE6A-related disorder. Also called: PDE6A-related condition.

Allele frequency attached by ClinVar (database versions not stated): gnomAD exomes 0.00007 and 0.00001; gnomAD 0.00001; TOPMed 0.00003; ExAC 0.00004.
gnomAD v4.1: 18 of 1,565,838 alleles (0.0011%); highest among the groups gnomAD compares: Admixed American, 0.03%; no homozygotes.

Submissions (4):

PreventionGenetics, part of Exact Sciences
Classification: Uncertain significance for PDE6A-related condition. Last evaluated: 2026-03-01. Review status: criteria provided, single submitter. Criteria: ACMG Guidelines, 2015. Collection method: clinical testing. Allele origin: germline.
Comment: The PDE6A c.628-5T>G variant is predicted to interfere with splicing. This variant is predicted to impact splicing by one available splicing algorithm (SpliceAI, Jaganathan et al. 2019. PubMed ID: 30661751). To our knowledge, this variant has not been reported in the literature. This variant is reported in 0.057% of alleles in individuals of Latino descent in gnomAD. At this time, the clinical significance of this variant is uncertain due to the absence of conclusive functional and genetic evidence.

Labcorp Genetics (formerly Invitae), Labcorp
Classification: Likely benign. Last evaluated: 2025-12-06. Review status: criteria provided, single submitter. Criteria: Invitae Variant Classification Sherloc (09022015). Collection method: clinical testing. Allele origin: germline.

Blueprint Genetics
Classification: Uncertain significance. Last evaluated: 2019-11-21. Review status: criteria provided, single submitter. Criteria: ACMG Guidelines, 2015. Collection method: clinical testing. Allele origin: germline.

Illumina Laboratory Services, Illumina
Classification: Uncertain significance for Retinitis pigmentosa. Last evaluated: 2018-01-13. Review status: criteria provided, single submitter. Criteria: ICSL Variant Classification Criteria 13 December 2019. Collection method: clinical testing. Allele origin: germline.

NM_000440.3(PDE6A):c.628-5T>G

Gene: PDE6A (phosphodiesterase 6A; minus strand). Cytogenetic location: 5q32.
Variant type: single nucleotide variant.
Coding change: c.628-5T>G on transcript NM_000440.3 (MANE Select); 5 bases into the intron before coding-DNA position 628, T replaced by G.
Molecular consequence: intron variant.
Genome position (GRCh38, 1-based): chr5:149,934,024, A>C on the plus strand (T>G on the coding strand, the complement: PDE6A is on the minus strand). VCF-style: chr5-149934024-A-C. GRCh37 (hg19) VCF-style: chr5-149313587-A-C.
Identifiers: ClinVar variation 351998 (VCV000351998.15), dbSNP rs757034771, ClinGen allele CA3504996.
Genomic context (GRCh38, chr5:149,934,024, plus strand): 5'-CTCAGGTGGTACACCTTCATGATTAGATTTGCAAAATTGAGGTACTTGAGAAGAATCTAA[A>C]AATCAAACAGCATGAGGGGAGGCAGGTGAGAAGAAGAAATCCATCCTCTGGCTACTTTTA-3'